The following is an entry in ClinVar:

NM_001035.3(RYR2):c.5102G>C (p.Gly1701Ala)

Gene: RYR2 (ryanodine receptor 2; plus strand). Cytogenetic location: 1q43.
Variant type: single nucleotide variant.
Coding change: c.5102G>C on transcript NM_001035.3 (MANE Select); coding-DNA position 5102, G replaced by C.
Protein change: p.Gly1701Ala; replaces glycine 1701 with alanine.
Molecular consequence: missense variant.
Genome position (GRCh38, 1-based): chr1:237,614,230, G>C. VCF-style: chr1-237614230-G-C. GRCh37 (hg19) VCF-style: chr1-237777530-G-C.
Other names: c.5102G>C (NM_001035.2); short protein forms G1701A.
Identifiers: ClinVar variation 1010901 (VCV001010901.12), dbSNP rs750602360, ClinGen allele CA086833.
Genomic context (GRCh38, chr1:237,614,230, plus strand): 5'-ATGAACCTCAGCTCCTCTATGCCATTGAGAACAAGTACATGCCTGGTTTGCTGCGTGCTG[G>C]CTACTATGACCTGCTGATTGACATCCACCTGAGCTCCTATGCCACTGCCAGGCTCATGAT-3'
Protein context (NP_001026.2, residues 1691-1711): NKYMPGLLRA[Gly1701Ala]YYDLLIDIHL

ClinVar aggregate classification (germline): Uncertain significance. Review status: criteria provided, multiple submitters, no conflicts (2 of 4 stars). 3 submissions from 3 submitters: Uncertain significance (3). Last evaluated 2025-09-04.

Conditions:
Cardiovascular phenotype. Identifiers: MedGen CN230736.
Cardiomyopathy (CMYO). Also called: Cardiomyopathies. Identifiers: Orphanet 167848, MedGen C0878544, MONDO:0004994, HP:0001638. Inheritance: Various modes of inheritance.
Catecholaminergic polymorphic ventricular tachycardia 1. Also called: VENTRICULAR TACHYCARDIA, STRESS-INDUCED POLYMORPHIC 1; VENTRICULAR TACHYCARDIA, CATECHOLAMINERGIC POLYMORPHIC, 1, WITH OR WITHOUT ATRIAL DYSFUNCTION AND/OR DILATED CARDIOMYOPATHY; RYR2-Related Catecholaminergic Polymorphic Ventricular Tachycardia. Identifiers: Orphanet 3286, MedGen C1631597, MONDO:0011484, OMIM 604772.

Allele frequency attached by ClinVar (database versions not stated): gnomAD exomes below 0.00001 and 0.00001; ExAC 0.00001; gnomAD 0.00001; TOPMed 0.00001.
gnomAD v4.1: 21 of 1,613,894 alleles (0.0013%); highest among the groups gnomAD compares: Non-Finnish European, 0.0017%; no homozygotes.

Submissions (3):

Color Diagnostics, LLC DBA Color Health
Classification: Uncertain significance for Cardiomyopathy. Last evaluated: 2025-09-04. Review status: criteria provided, single submitter. Criteria: ACMG Guidelines, 2015. Collection method: clinical testing. Allele origin: germline.
Comment: This missense variant replaces glycine with alanine at codon 1701 of the RYR2 protein. Computational prediction is inconclusive regarding the impact of this variant on protein structure and function. To our knowledge, functional studies have not been reported for this variant. This variant has been reported in an individual affected with hypertrophic cardiomyopathy (PMID: 25351510). This variant has been identified in 2/280610 chromosomes in the general population by the Genome Aggregation Database (gnomAD). The available evidence is insufficient to determine the role of this variant in disease conclusively. Therefore, this variant is classified as a Variant of Uncertain Significance.

Ambry Genetics
Classification: Uncertain significance for Cardiovascular phenotype. Last evaluated: 2023-09-25. Review status: criteria provided, single submitter. Criteria: Ambry Variant Classification Scheme 2023. Collection method: clinical testing. Allele origin: germline.
Comment: The p.G1701A variant (also known as c.5102G>C), located in coding exon 37 of the RYR2 gene, results from a G to C substitution at nucleotide position 5102. The glycine at codon 1701 is replaced by alanine, an amino acid with similar properties. This amino acid position is highly conserved in available vertebrate species. In addition, the in silico prediction for this alteration is inconclusive. Since supporting evidence is limited at this time, the clinical significance of this alteration remains unclear.

Labcorp Genetics (formerly Invitae), Labcorp
Classification: Uncertain significance for Catecholaminergic polymorphic ventricular tachycardia 1. Last evaluated: 2020-11-15. Review status: criteria provided, single submitter. Criteria: Invitae Variant Classification Sherloc (09022015). Collection method: clinical testing. Allele origin: germline.
Comment: In summary, the available evidence is currently insufficient to determine the role of this variant in disease. Therefore, it has been classified as a Variant of Uncertain Significance. Algorithms developed to predict the effect of missense changes on protein structure and function (SIFT, PolyPhen-2, Align-GVGD) all suggest that this variant is likely to be disruptive, but these predictions have not been confirmed by published functional studies and their clinical significance is uncertain. This variant has not been reported in the literature in individuals with RYR2-related conditions. This variant is present in population databases (rs750602360, ExAC 0.01%). This sequence change replaces glycine with alanine at codon 1701 of the RYR2 protein (p.Gly1701Ala). The glycine residue is highly conserved and there is a small physicochemical difference between glycine and alanine.

Literature cited by the submitters: PubMed 25351510 (cited by Color Diagnostics, LLC DBA Color Health).